The following is an entry in ClinVar:

NM_001080432.3(FTO):c.*1724A>G

Gene: FTO (FTO alpha-ketoglutarate dependent dioxygenase; plus strand). Cytogenetic location: 16q12.2.
Variant type: single nucleotide variant.
Coding change: c.*1724A>G on transcript NM_001080432.3 (MANE Select); 1724 bases downstream of the stop codon, A replaced by G.
Molecular consequence: 3 prime UTR variant.
Genome position (GRCh38, 1-based): chr16:54,113,639, A>G. VCF-style: chr16-54113639-A-G. GRCh37 (hg19) VCF-style: chr16-54147551-A-G.
Other names: c.*1724A>G (NM_001363891.2, NM_001363894.2, NM_001363896.2 and 6 more transcripts); c.*1842A>G (NM_001363903.2); c.*1900A>G (NM_001363988.2).
Identifiers: ClinVar variation 319716 (VCV000319716.5), dbSNP rs80079461, ClinGen allele CA10637994.

ClinVar aggregate classification (germline): Likely benign (1 of 4 stars; one submission).

Conditions:
Lethal polymalformative syndrome, Boissel type. Also called: GROWTH RETARDATION, DEVELOPMENTAL DELAY, AND FACIAL DYSMORPHISM. Identifiers: Orphanet 210144, MedGen C2752001, MONDO:0013050, OMIM 612938.

Allele frequency attached by ClinVar (database versions not stated): gnomAD 0.00048 and 0.00078; TOPMed 0.00106; 1000 Genomes Project 30x 0.00281; 1000 Genomes Project 0.00319.

Submission:

Illumina Laboratory Services, Illumina
Classification: Likely benign for Lethal polymalformative syndrome, Boissel type. Last evaluated: 2018-01-12. Review status: criteria provided, single submitter. Criteria: ICSL Variant Classification Criteria 13 December 2019. Collection method: clinical testing. Allele origin: germline.
Comment: This variant was observed in the ICSL laboratory as part of a predisposition screen in an ostensibly healthy population. It had not been previously curated by ICSL or reported in the Human Gene Mutation Database (HGMD: prior to June 1st, 2018), and was therefore a candidate for classification through an automated scoring system. Utilizing variant allele frequency, disease prevalence and penetrance estimates, and inheritance mode, an automated score was calculated to assess if this variant is too frequent to cause the disease. Based on the score and internal cut-off values, a variant classified as likely benign is not then subjected to further curation. The score for this variant resulted in a classification of likely benign for this disease.